The following is an entry in ClinVar:

NM_001378778.1(MPDZ):c.2776G>A (p.Ala926Thr)

Gene: MPDZ (multiple PDZ domain crumbs cell polarity complex component; minus strand). Cytogenetic location: 9p23.
Variant type: single nucleotide variant.
Coding change: c.2776G>A on transcript NM_001378778.1 (MANE Select); coding-DNA position 2776, G replaced by A.
Protein change: p.Ala926Thr; replaces alanine 926 with threonine.
Molecular consequence: missense variant.
Genome position (GRCh38, 1-based): chr9:13,176,291, C>T on the plus strand (G>A on the coding strand, the complement: MPDZ is on the minus strand). VCF-style: chr9-13176291-C-T. GRCh37 (hg19) VCF-style: chr9-13176290-C-T.
Other names: c.2776G>A, p.Ala926Thr (NM_001261406.2, NM_001261407.2, NM_001330637.2 and 14 more transcripts); c.2776G>A (NM_003829.3); short protein forms A926T.
Identifiers: ClinVar variation 746648 (VCV000746648.14), dbSNP rs144992780, ClinGen allele CA4987361.

ClinVar aggregate classification (germline): Conflicting classifications of pathogenicity. Review status: criteria provided, conflicting classifications (1 of 4 stars). 5 submissions from 5 submitters: Uncertain significance (2); Likely benign (2). 1 of the submissions does not count toward it. Last evaluated 2025-10-16.

Conditions:
MPDZ-related disorder. Also called: MPDZ-related condition.
Inborn genetic diseases. Identifiers: MedGen C0950123, MeSH D030342.

Allele frequency attached by ClinVar (database versions not stated): gnomAD 0.00006 and 0.00013; gnomAD exomes 0.00008 and 0.00020; TOPMed 0.00018; ExAC 0.00033; 1000 Genomes Project 30x 0.00094; 1000 Genomes Project 0.00100.
gnomAD v4.1: 144 of 1,610,370 alleles (0.0089%); highest among the groups gnomAD compares: East Asian, 0.19%; no homozygotes.

Submissions (5):

Labcorp Genetics (formerly Invitae), Labcorp
Classification: Likely benign. Last evaluated: 2025-10-16. Review status: criteria provided, single submitter. Criteria: Invitae Variant Classification Sherloc (09022015). Collection method: clinical testing. Allele origin: germline.

Blueprint Genetics
Classification: Uncertain significance. Last evaluated: 2024-11-15. Review status: criteria provided, single submitter. Criteria: ACMG Guidelines, 2015. Collection method: clinical testing. Allele origin: germline.

Women's Health and Genetics/Laboratory Corporation of America, LabCorp
Classification: Uncertain significance. Last evaluated: 2023-11-17. Review status: criteria provided, single submitter. Criteria: LabCorp Variant Classification Summary - May 2015. Collection method: clinical testing. Allele origin: germline.
Comment: Variant summary: MPDZ c.2776G>A (p.Ala926Thr) results in a non-conservative amino acid change in the encoded protein sequence. Four of five in-silico tools predict a benign effect of the variant on protein function. The variant allele was found at a frequency of 0.0002 in 242914 control chromosomes, predominantly at a frequency of 0.0023 within the East Asian subpopulation in the gnomAD database. To our knowledge, no occurrence of c.2776G>A in individuals affected with Autosomal Recessive Nonsyndromic Hydrocephalus and no experimental evidence demonstrating its impact on protein function have been reported. Two submitters have cited clinical-significance assessments for this variant to ClinVar after 2014. Both submitters classified the variant as likely benign. Based on the evidence outlined above, the variant was classified as uncertain significance.

Ambry Genetics
Classification: Likely benign for Inborn genetic diseases. Last evaluated: 2022-09-27. Review status: criteria provided, single submitter. Criteria: Ambry Variant Classification Scheme 2023. Collection method: clinical testing. Allele origin: germline.

PreventionGenetics, part of Exact Sciences
Classification: Likely benign for MPDZ-related condition. Last evaluated: 2024-03-21. Review status: no assertion criteria provided. Collection method: clinical testing. Allele origin: germline. Not counted in ClinVar's aggregate classification.
Comment: This variant is classified as likely benign based on ACMG/AMP sequence variant interpretation guidelines (Richards et al. 2015 PMID: 25741868, with internal and published modifications).